The following is an entry in ClinVar:

NM_016938.5(EFEMP2):c.1022C>T (p.Ser341Leu)

Gene: EFEMP2 (EGF containing fibulin extracellular matrix protein 2; minus strand). Cytogenetic location: 11q13.1.
Variant type: single nucleotide variant.
Coding change: c.1022C>T on transcript NM_016938.5 (MANE Select); coding-DNA position 1022, C replaced by T.
Protein change: p.Ser341Leu; replaces serine 341 with leucine.
Molecular consequence: missense variant. On other transcripts: non-coding transcript variant (1).
Genome position (GRCh38, 1-based): chr11:65,868,009, G>A on the plus strand (C>T on the coding strand, the complement: EFEMP2 is on the minus strand). VCF-style: chr11-65868009-G-A. GRCh37 (hg19) VCF-style: chr11-65635480-G-A.
Other names: short protein forms S341L.
Identifiers: ClinVar variation 3226922 (VCV003226922.1), dbSNP rs2495572687, ClinGen allele CA381352110.

ClinVar aggregate classification (germline): Uncertain significance (1 of 4 stars; one submission).

Conditions:
Cardiovascular phenotype. Identifiers: MedGen CN230736.

Allele frequency attached by ClinVar (database versions not stated): gnomAD exomes below 0.00001.
gnomAD v4.1: 2 of 1,614,046 alleles (0.00012%); highest among the groups gnomAD compares: Non-Finnish European, 0.00017%; no homozygotes.

Submission:

Ambry Genetics
Classification: Uncertain significance for Cardiovascular phenotype. Last evaluated: 2024-02-01. Review status: criteria provided, single submitter. Criteria: Ambry Variant Classification Scheme 2023. Collection method: clinical testing. Allele origin: germline.
Comment: The p.S341L variant (also known as c.1022C>T), located in coding exon 9 of the EFEMP2 gene, results from a C to T substitution at nucleotide position 1022. The serine at codon 341 is replaced by leucine, an amino acid with dissimilar properties. This amino acid position is conserved. In addition, this alteration is predicted to be tolerated by in silico analysis. Based on the available evidence, the clinical significance of this alteration remains unclear.